The following is an entry in ClinVar:

NM_000123.4(ERCC5):c.605A>G (p.His202Arg)

Genes: BIVM-ERCC5 (BIVM-ERCC5 readthrough; plus strand), ERCC5 (ERCC excision repair 5, endonuclease; plus strand). Cytogenetic location: 13q33.1.
Variant type: single nucleotide variant.
Coding change: c.605A>G on transcript NM_000123.4 (MANE Select); coding-DNA position 605, A replaced by G.
Protein change: p.His202Arg; replaces histidine 202 with arginine.
Molecular consequence: missense variant.
Genome position (GRCh38, 1-based): chr13:102,858,351, A>G. VCF-style: chr13-102858351-A-G. GRCh37 (hg19) VCF-style: chr13-103510701-A-G.
Other names: c.1967A>G, p.His656Arg (NM_001204425.2); short protein forms H202R, H656R.
Identifiers: ClinVar variation 4882931 (VCV004882931.2).
Genomic context (GRCh38, chr13:102,858,351, plus strand): 5'-ATCCTCAAGCGATAGATATTGAGTCTGAGGACTTCAGCAGCCTGCCCCCTGAAGTAAAGC[A>G]TGAAATCTTGACTGATATGAAAGAGTTCACCAAGCGCAGAAGAACATTATTTGAAGCAAT-3'
Protein context (NP_000114.3, residues 192-212): DFSSLPPEVK[His202Arg]EILTDMKEFT

ClinVar aggregate classification (germline): Uncertain significance (1 of 4 stars; one submission).

Conditions:
Xeroderma pigmentosum, group G (XPG). Also called: XERODERMA PIGMENTOSUM VII; XP, GROUP G; Xeroderma pigmentosum type 7; ERCC5-Related Xeroderma Pigmentosum. Identifiers: MedGen C0268141, MONDO:0010216, OMIM 278780.

gnomAD v4.1: 2 of 1,614,178 alleles (0.00012%); highest among the groups gnomAD compares: East Asian, 0.0022%; no homozygotes.

Submission:

Dasa
Classification: Uncertain significance for Xeroderma pigmentosum, group G. Last evaluated: 2026-04-02. Review status: criteria provided, single submitter. Criteria: DASA Assertion Criteria. Collection method: clinical testing. Allele origin: germline.
Comment: NM_000123.4(ERCC5):c.605A>G (p.His202Arg) is a missense variant that results in the substitution of histidine with arginine. This variant is rare in population databases. The currently available literature and clinical evidence are not sufficient to establish a definitive association between this variant and the reported condition. Therefore, this variant is classified as a variant of uncertain significance.